The following is an entry in ClinVar:

ClinVar aggregate classification (germline): Uncertain significance (1 of 4 stars; one submission).

Allele frequency attached by ClinVar (database versions not stated): gnomAD 0.00011; TOPMed 0.00011; gnomAD exomes 0.00022; ExAC 0.00023; ESP Exome Variant Server 0.00023; 1000 Genomes Project 0.00040; 1000 Genomes Project 30x 0.00062.
gnomAD v4.1: 333 of 1,611,124 alleles (0.021%); highest among the groups gnomAD compares: South Asian, 0.18%; 2 homozygotes.

Submission:

Ambry Genetics
Classification: Uncertain significance. Last evaluated: 2024-09-20. Review status: criteria provided, single submitter. Criteria: Ambry Variant Classification Scheme 2023. Collection method: clinical testing. Allele origin: germline.
Comment: The p.A1062V variant (also known as c.3185C>T), located in coding exon 16 of the POLQ gene, results from a C to T substitution at nucleotide position 3185. The alanine at codon 1062 is replaced by valine, an amino acid with similar properties. This amino acid position is conserved. In addition, this alteration is predicted to be tolerated by in silico analysis. Since supporting evidence is limited at this time, the clinical significance of this alteration remains unclear.

NM_199420.4(POLQ):c.3185C>T (p.Ala1062Val)

Gene: POLQ (DNA polymerase theta; minus strand). Cytogenetic location: 3q13.33.
Variant type: single nucleotide variant.
Coding change: c.3185C>T on transcript NM_199420.4 (MANE Select); coding-DNA position 3185, C replaced by T.
Protein change: p.Ala1062Val; replaces alanine 1062 with valine.
Molecular consequence: missense variant.
Genome position (GRCh38, 1-based): chr3:121,489,746, G>A on the plus strand (C>T on the coding strand, the complement: POLQ is on the minus strand). VCF-style: chr3-121489746-G-A. GRCh37 (hg19) VCF-style: chr3-121208593-G-A.
Other names: short protein forms A1062V.
Identifiers: ClinVar variation 1728577 (VCV001728577.3), dbSNP rs201644304, ClinGen allele CA2563107.
Genomic context (GRCh38, chr3:121,489,746, plus strand): 5'-AACGGGTCTTCACAAAGACTAGGATTAGACAGAGTCTGTCCTTGTAAATGGATTCTACAC[G>A]CTCCAGAGTCTTTCAGGGGGCTGCTGTCCCTAGATCGCTTTAGATGCTTTCTACGTTTCC-3'
Protein context (NP_955452.3, residues 1052-1072): RDSSPLKDSG[Ala1062Val]CRIHLQGQTL